The following is an entry in ClinVar:

NM_006662.3(SRCAP):c.8297G>T (p.Arg2766Leu)

Gene: SRCAP (Snf2 related CREBBP activator protein; plus strand). Cytogenetic location: 16p11.2.
Variant type: single nucleotide variant.
Coding change: c.8297G>T on transcript NM_006662.3 (MANE Select); coding-DNA position 8297, G replaced by T.
Protein change: p.Arg2766Leu; replaces arginine 2766 with leucine.
Molecular consequence: missense variant.
Genome position (GRCh38, 1-based): chr16:30,738,337, G>T. VCF-style: chr16-30738337-G-T. GRCh37 (hg19) VCF-style: chr16-30749658-G-T.
Other names: short protein forms R2766L.
Identifiers: ClinVar variation 4752931 (VCV004752931.1).

ClinVar aggregate classification (germline): Uncertain significance (1 of 4 stars; one submission).

gnomAD v4.1: 5 of 1,575,778 alleles (0.00032%); highest among the groups gnomAD compares: African/African-American, 0.0014%; no homozygotes.

Submission:

Labcorp Genetics (formerly Invitae), Labcorp
Classification: Uncertain significance. Last evaluated: 2025-08-12. Review status: criteria provided, single submitter. Criteria: Invitae Variant Classification Sherloc (09022015). Collection method: clinical testing. Allele origin: germline.
Comment: This sequence change replaces arginine, which is basic and polar, with leucine, which is neutral and non-polar, at codon 2766 of the SRCAP protein (p.Arg2766Leu). This variant is not present in population databases (gnomAD no frequency). This variant has not been reported in the literature in individuals affected with SRCAP-related conditions. Invitae Evidence Modeling of protein sequence and biophysical properties (such as structural, functional, and spatial information, amino acid conservation, physicochemical variation, residue mobility, and thermodynamic stability) indicates that this missense variant is not expected to disrupt SRCAP protein function with a negative predictive value of 80%. In summary, the available evidence is currently insufficient to determine the role of this variant in disease. Therefore, it has been classified as a Variant of Uncertain Significance.